The following is an entry in ClinVar:

ClinVar aggregate classification (germline): Conflicting classifications of pathogenicity. Review status: criteria provided, conflicting classifications (1 of 4 stars). 2 submissions from 2 submitters: Likely pathogenic (1); Uncertain significance (1). Last evaluated 2023-04-27.

Submissions (2):

GeneDx
Classification: Uncertain significance. Last evaluated: 2023-04-27. Review status: criteria provided, single submitter. Criteria: GeneDx Variant Classification Process June 2021. Collection method: clinical testing. Allele origin: germline. Affected: yes.
Comment: Not observed at significant frequency in large population cohorts (gnomAD); In silico analysis supports that this missense variant has a deleterious effect on protein structure/function; Has not been previously published as pathogenic or benign to our knowledge

Labcorp Genetics (formerly Invitae), Labcorp
Classification: Likely pathogenic. Last evaluated: 2022-08-31. Review status: criteria provided, single submitter. Criteria: Invitae Variant Classification Sherloc (09022015). Collection method: clinical testing. Allele origin: germline.
Comment: This missense change has been observed in individual(s) with clinical features of autosomal recessive bestrophinopathy (Invitae). In at least one individual the data is consistent with being in trans (on the opposite chromosome) from a pathogenic variant. This sequence change replaces asparagine, which is neutral and polar, with tyrosine, which is neutral and polar, at codon 190 of the BEST1 protein (p.Asn190Tyr). This variant is not present in population databases (gnomAD no frequency). Advanced modeling of protein sequence and biophysical properties (such as structural, functional, and spatial information, amino acid conservation, physicochemical variation, residue mobility, and thermodynamic stability) performed at Invitae indicates that this missense variant is expected to disrupt BEST1 protein function. In summary, the currently available evidence indicates that the variant is pathogenic, but additional data are needed to prove that conclusively. Therefore, this variant has been classified as Likely Pathogenic.

NM_004183.4(BEST1):c.568A>T (p.Asn190Tyr)

Gene: BEST1 (bestrophin 1; plus strand). Cytogenetic location: 11q12.3.
Variant type: single nucleotide variant.
Coding change: c.568A>T on transcript NM_004183.4 (MANE Select); coding-DNA position 568, A replaced by T.
Protein change: p.Asn190Tyr; replaces asparagine 190 with tyrosine.
Molecular consequence: missense variant. On other transcripts: non-coding transcript variant (1).
Genome position (GRCh38, 1-based): chr11:61,956,930, A>T. VCF-style: chr11-61956930-A-T. GRCh37 (hg19) VCF-style: chr11-61724402-A-T.
Other names: c.388A>T, p.Asn130Tyr (NM_001139443.3, NM_001300786.2, NM_001300787.2); c.250A>T, p.Asn84Tyr (NM_001363591.3); c.568A>T, p.Asn190Tyr (NM_001363592.2); c.-608A>T (NM_001363593.3); short protein forms N84Y, N130Y, N190Y.
Identifiers: ClinVar variation 1973967 (VCV001973967.6), dbSNP rs2541372399, ClinGen allele CA380837488.